The following is an entry in ClinVar:

ClinVar aggregate classification (germline): Uncertain significance (1 of 4 stars; one submission).

Conditions:
Leukocyte adhesion deficiency 3. Also called: Leukocyte adhesion deficiency, type III; INTEGRIN ACTIVATION DEFICIENCY DISEASE; LEUKOCYTE ADHESION DEFICIENCY 1 VARIANT. Identifiers: Orphanet 2968, Orphanet 99844, MedGen C2748536, MONDO:0013016, OMIM 612840.

Submission:

Labcorp Genetics (formerly Invitae), Labcorp
Classification: Uncertain significance for Leukocyte adhesion deficiency 3. Last evaluated: 2024-04-08. Review status: criteria provided, single submitter. Criteria: Invitae Variant Classification Sherloc (09022015). Collection method: clinical testing. Allele origin: germline.
Comment: This sequence change replaces leucine, which is neutral and non-polar, with phenylalanine, which is neutral and non-polar, at codon 652 of the FERMT3 protein (p.Leu652Phe). This variant is not present in population databases (gnomAD no frequency). This variant has not been reported in the literature in individuals affected with FERMT3-related conditions. Advanced modeling of protein sequence and biophysical properties (such as structural, functional, and spatial information, amino acid conservation, physicochemical variation, residue mobility, and thermodynamic stability) performed at Invitae indicates that this missense variant is expected to disrupt FERMT3 protein function with a positive predictive value of 80%. In summary, the available evidence is currently insufficient to determine the role of this variant in disease. Therefore, it has been classified as a Variant of Uncertain Significance.

NM_031471.6(FERMT3):c.1954C>T (p.Leu652Phe)

Gene: FERMT3 (FERM domain containing kindlin 3; plus strand). Cytogenetic location: 11q13.1.
Variant type: single nucleotide variant.
Coding change: c.1954C>T on transcript NM_031471.6 (MANE Select); coding-DNA position 1954, C replaced by T.
Protein change: p.Leu652Phe; replaces leucine 652 with phenylalanine.
Molecular consequence: missense variant.
Genome position (GRCh38, 1-based): chr11:64,223,454, C>T. VCF-style: chr11-64223454-C-T. GRCh37 (hg19) VCF-style: chr11-63990926-C-T.
Other names: c.1954C>T, p.Leu652Phe (NM_001382361.1, NM_001382448.1); c.1966C>T, p.Leu656Phe (NM_001382362.1, NM_178443.3); c.1414C>T, p.Leu472Phe (NM_001382363.1); c.1426C>T, p.Leu476Phe (NM_001382364.1); short protein forms L472F, L652F, L476F, L656F.
Identifiers: ClinVar variation 2716987 (VCV002716987.3), dbSNP rs1457484861, ClinGen allele CA381090943.